The following is an entry in ClinVar:

NM_017777.4(MKS1):c.1051C>G (p.Leu351Val)

Gene: MKS1 (MKS transition zone complex subunit 1; minus strand). Cytogenetic location: 17q22.
Variant type: single nucleotide variant.
Coding change: c.1051C>G on transcript NM_017777.4 (MANE Select); coding-DNA position 1051, C replaced by G.
Protein change: p.Leu351Val; replaces leucine 351 with valine.
Molecular consequence: missense variant.
Genome position (GRCh38, 1-based): chr17:58,208,557, G>C on the plus strand (C>G on the coding strand, the complement: MKS1 is on the minus strand). VCF-style: chr17-58208557-G-C. GRCh37 (hg19) VCF-style: chr17-56285918-G-C.
Other names: c.442C>G, p.Leu148Val (NM_001321268.2); c.1051C>G, p.Leu351Val (NM_001321269.2, NM_001330397.2, NM_001411113.1); short protein forms L148V, L351V.
Identifiers: ClinVar variation 2199935 (VCV002199935.2), dbSNP rs1968674499, ClinGen allele CA400325868.

ClinVar aggregate classification (germline): Uncertain significance. Review status: criteria provided, multiple submitters, no conflicts (2 of 4 stars). 2 submissions from 2 submitters: Uncertain significance (2). Last evaluated 2025-08-12.

Conditions:
Inborn genetic diseases. Identifiers: MedGen C0950123, MeSH D030342.
Joubert syndrome. Also called: CEREBELLOPARENCHYMAL DISORDER IV; JOUBERT-BOLTSHAUSER SYNDROME; Familial aplasia of the vermis. Identifiers: Orphanet 475, MedGen C5979921, MONDO:0018772.
Meckel-Gruber syndrome. Also called: DYSENCEPHALIA SPLANCHNOCYSTICA; GRUBER SYNDROME; Dysencephalia splachnocystica. Identifiers: Orphanet 564, MedGen C0265215, MONDO:0018921.

Allele frequency attached by ClinVar (database versions not stated): gnomAD exomes below 0.00001; TOPMed below 0.00001.
gnomAD v4.1: 1 of 1,614,198 alleles (0.000062%); highest among the groups gnomAD compares: Non-Finnish European, 0.000085%; no homozygotes.

Submissions (2):

Ambry Genetics
Classification: Uncertain significance for Inborn genetic diseases. Last evaluated: 2025-08-12. Review status: criteria provided, single submitter. Criteria: Ambry Variant Classification Scheme 2023. Collection method: clinical testing. Allele origin: germline.

Labcorp Genetics (formerly Invitae), Labcorp
Classification: Uncertain significance for Joubert syndrome; Meckel-Gruber syndrome. Last evaluated: 2022-08-12. Review status: criteria provided, single submitter. Criteria: Invitae Variant Classification Sherloc (09022015). Collection method: clinical testing. Allele origin: germline.
Comment: This sequence change replaces leucine, which is neutral and non-polar, with valine, which is neutral and non-polar, at codon 351 of the MKS1 protein (p.Leu351Val). This variant is not present in population databases (gnomAD no frequency). This variant has not been reported in the literature in individuals affected with MKS1-related conditions. Algorithms developed to predict the effect of missense changes on protein structure and function are either unavailable or do not agree on the potential impact of this missense change (SIFT: "Deleterious"; PolyPhen-2: "Possibly Damaging"; Align-GVGD: "Class C0"). In summary, the available evidence is currently insufficient to determine the role of this variant in disease. Therefore, it has been classified as a Variant of Uncertain Significance.